The following is an entry in ClinVar:

NM_006767.4(LZTR1):c.2316C>A (p.Asn772Lys)

Gene: LZTR1 (leucine zipper like post translational regulator 1; plus strand). Cytogenetic location: 22q11.21.
Variant type: single nucleotide variant.
Coding change: c.2316C>A on transcript NM_006767.4 (MANE Select); coding-DNA position 2316, C replaced by A.
Protein change: p.Asn772Lys; replaces asparagine 772 with lysine.
Molecular consequence: missense variant.
Genome position (GRCh38, 1-based): chr22:20,996,792, C>A. VCF-style: chr22-20996792-C-A. GRCh37 (hg19) VCF-style: chr22-21351081-C-A.
Other names: short protein forms N772K.
Identifiers: ClinVar variation 1487391 (VCV001487391.11), dbSNP rs140327903, ClinGen allele CA410780931.
Genomic context (GRCh38, chr22:20,996,792, plus strand): 5'-CAACAACCGGCTGCAGGCGTACTGCAAGCAGAACCTGGAGATGAACGTGACGGTGCAGAA[C>A]GTGCTGCAGGTAGCCCCCCAGCCCCGTGCACATGGCTGCAGCTCCCACTGAGTGGGTGAA-3'
Protein context (NP_006758.2, residues 762-782): QNLEMNVTVQ[Asn772Lys]VLQILEAADK

ClinVar aggregate classification (germline): Uncertain significance. Review status: criteria provided, multiple submitters, no conflicts (2 of 4 stars). 3 submissions from 3 submitters: Uncertain significance (3). Last evaluated 2023-05-05.

Conditions:
Hereditary cancer-predisposing syndrome. Also called: Tumor predisposition; Hereditary neoplastic syndrome; Hereditary Cancer Syndrome; Neoplastic Syndromes, Hereditary. Identifiers: Orphanet 140162, MedGen C0027672, MeSH D009386, MONDO:0015356.
Cardiovascular phenotype. Identifiers: MedGen CN230736.

gnomAD v4.1: 2 of 1,613,614 alleles (0.00012%); highest among the groups gnomAD compares: South Asian, 0.0011%; no homozygotes.

Submissions (3):

Blueprint Genetics
Classification: Uncertain significance. Last evaluated: 2023-05-05. Review status: criteria provided, single submitter. Criteria: ACMG Guidelines, 2015. Collection method: clinical testing. Allele origin: germline.

Ambry Genetics
Classification: Uncertain significance for Cardiovascular phenotype; Hereditary cancer-predisposing syndrome. Last evaluated: 2022-04-07. Review status: criteria provided, single submitter. Criteria: Ambry Variant Classification Scheme 2023. Collection method: clinical testing. Allele origin: germline.
Comment: The p.N772K variant (also known as c.2316C>A), located in coding exon 19 of the LZTR1 gene, results from a C to A substitution at nucleotide position 2316. The asparagine at codon 772 is replaced by lysine, an amino acid with similar properties. This amino acid position is conserved. In addition, this alteration is predicted to be tolerated by in silico analysis. Since supporting evidence is limited at this time, the clinical significance of this alteration remains unclear.

Labcorp Genetics (formerly Invitae), Labcorp
Classification: Uncertain significance. Last evaluated: 2021-04-29. Review status: criteria provided, single submitter. Criteria: Invitae Variant Classification Sherloc (09022015). Collection method: clinical testing. Allele origin: germline.
Comment: This sequence change replaces asparagine with lysine at codon 772 of the LZTR1 protein (p.Asn772Lys). The asparagine residue is highly conserved and there is a moderate physicochemical difference between asparagine and lysine. This variant is not present in population databases (ExAC no frequency). This variant has not been reported in the literature in individuals with LZTR1-related conditions. Algorithms developed to predict the effect of missense changes on protein structure and function (SIFT, PolyPhen-2, Align-GVGD) all suggest that this variant is likely to be disruptive, but these predictions have not been confirmed by published functional studies and their clinical significance is uncertain. In summary, the available evidence is currently insufficient to determine the role of this variant in disease. Therefore, it has been classified as a Variant of Uncertain Significance.